The following is an entry in ClinVar:

NM_153704.6(TMEM67):c.715-4G>T

Gene: TMEM67 (transmembrane protein 67; plus strand). Cytogenetic location: 8q22.1.
Variant type: single nucleotide variant.
Coding change: c.715-4G>T on transcript NM_153704.6 (MANE Select); 4 bases into the intron before coding-DNA position 715, G replaced by T.
Molecular consequence: intron variant.
Genome position (GRCh38, 1-based): chr8:93,780,589, G>T. VCF-style: chr8-93780589-G-T. GRCh37 (hg19) VCF-style: chr8-94792817-G-T.
Other names: c.472-4G>T (NM_001142301.1).
Identifiers: ClinVar variation 3354795 (VCV003354795.2).
Genomic context (GRCh38, chr8:93,780,589, plus strand): 5'-ATATCAACTTTTGCATAGACTGTTCAGGTTCATGTTACTTTTCTTTGCCATTGTTCTGTT[G>T]TAGGTATATGCCAATCTAACATCTTGTCAAGCTCTTGGAAATATGTGTGTGATGAACATG-3'

ClinVar aggregate classification (germline): Likely benign. Review status: criteria provided, single submitter (1 of 4 stars). 2 submissions from 2 submitters: Likely benign (1). 1 of the submissions does not count toward it. Last evaluated 2025-10-01.

Conditions:
TMEM67-related disorder. Also called: TMEM67-related condition; TMEM67-related disorders. Identifiers: MedGen CN239423.
Joubert syndrome. Also called: JOUBERT-BOLTSHAUSER SYNDROME; Familial aplasia of the vermis. Identifiers: Orphanet 475, MedGen C5979921, MONDO:0018772.
Meckel-Gruber syndrome. Also called: DYSENCEPHALIA SPLANCHNOCYSTICA; GRUBER SYNDROME; Dysencephalia splachnocystica. Identifiers: Orphanet 564, MedGen C0265215, MONDO:0018921.

gnomAD v4.1: 3 of 1,614,032 alleles (0.00019%); highest among the groups gnomAD compares: African/African-American, 0.004%; no homozygotes.

Submissions (2):

Labcorp Genetics (formerly Invitae), Labcorp
Classification: Likely benign for Joubert syndrome; Meckel-Gruber syndrome. Last evaluated: 2025-10-01. Review status: criteria provided, single submitter. Criteria: Invitae Variant Classification Sherloc (09022015). Collection method: clinical testing. Allele origin: germline.

PreventionGenetics, part of Exact Sciences
Classification: Uncertain significance for TMEM67-related condition. Last evaluated: 2024-08-08. Review status: no assertion criteria provided. Collection method: clinical testing. Allele origin: germline. Not counted in ClinVar's aggregate classification.
Comment: The TMEM67 c.715-4G>T variant is predicted to interfere with splicing. To our knowledge, this variant has not been reported in the literature. This variant is reported in 0.012% of alleles in individuals of African descent in gnomAD. At this time, the clinical significance of this variant is uncertain due to the absence of conclusive functional and genetic evidence.